The following is an entry in ClinVar:

NM_130468.4(CHST14):c.188G>A (p.Gly63Asp)

Gene: CHST14 (carbohydrate sulfotransferase 14; plus strand). Cytogenetic location: 15q15.1.
Variant type: single nucleotide variant.
Coding change: c.188G>A on transcript NM_130468.4 (MANE Select); coding-DNA position 188, G replaced by A.
Protein change: p.Gly63Asp; replaces glycine 63 with aspartic acid.
Molecular consequence: missense variant.
Genome position (GRCh38, 1-based): chr15:40,471,401, G>A. VCF-style: chr15-40471401-G-A. GRCh37 (hg19) VCF-style: chr15-40763600-G-A.
Other names: short protein forms G63D.
Identifiers: ClinVar variation 1313413 (VCV001313413.2), dbSNP rs770562379, ClinGen allele CA7481557.

ClinVar aggregate classification (germline): Uncertain significance (1 of 4 stars; one submission).

Allele frequency attached by ClinVar (database versions not stated): gnomAD exomes below 0.00001.
gnomAD v4.1: 1 of 1,557,202 alleles (0.000064%); highest among the groups gnomAD compares: East Asian, 0.0024%; no homozygotes.

Submission:

GeneDx
Classification: Uncertain significance. Last evaluated: 2020-11-05. Review status: criteria provided, single submitter. Criteria: GeneDx Variant Classification Process June 2021. Collection method: clinical testing. Allele origin: germline. Affected: yes.
Comment: Not observed at a significant frequency in large population cohorts (Lek et al., 2016); In silico analysis supports that this missense variant does not alter protein structure/function; Has not been previously published as pathogenic or benign to our knowledge